The following is an entry in ClinVar:

ClinVar aggregate classification (germline): Conflicting classifications of pathogenicity. Review status: criteria provided, conflicting classifications (1 of 4 stars). 3 submissions from 3 submitters: Uncertain significance (1); Likely benign (2). Last evaluated 2026-06-01.

Conditions:
Inborn genetic diseases. Identifiers: MedGen C0950123, MeSH D030342.

Allele frequency attached by ClinVar (database versions not stated): gnomAD 0.00005; ExAC 0.00008; TOPMed 0.00009; 1000 Genomes Project 30x 0.00016; 1000 Genomes Project 0.00020.
gnomAD v4.1: 70 of 1,613,218 alleles (0.0043%); highest among the groups gnomAD compares: Admixed American, 0.035%; no homozygotes.

Submissions (3):

CeGaT Center for Human Genetics Tuebingen
Classification: Likely benign. Last evaluated: 2026-06-01. Review status: criteria provided, single submitter. Criteria: CeGaT Center For Human Genetics Tuebingen Variant Classification Criteria Version 2. Collection method: clinical testing. Allele origin: germline. Affected: yes. Observed: 1 variant allele.
Comment: MAGEL2: BP4, BS2

Labcorp Genetics (formerly Invitae), Labcorp
Classification: Uncertain significance. Last evaluated: 2025-10-21. Review status: criteria provided, single submitter. Criteria: Invitae Variant Classification Sherloc (09022015). Collection method: clinical testing. Allele origin: germline.
Comment: This sequence change replaces arginine, which is basic and polar, with cysteine, which is neutral and slightly polar, at codon 941 of the MAGEL2 protein (p.Arg941Cys). This variant is present in population databases (rs548982518, gnomAD 0.05%), and has an allele count higher than expected for a pathogenic variant. This variant has not been reported in the literature in individuals affected with MAGEL2-related conditions. ClinVar contains an entry for this variant (Variation ID: 2175813). Invitae Evidence Modeling of protein sequence and biophysical properties (such as structural, functional, and spatial information, amino acid conservation, physicochemical variation, residue mobility, and thermodynamic stability) indicates that this missense variant is not expected to disrupt MAGEL2 protein function with a negative predictive value of 80%. In summary, the available evidence is currently insufficient to determine the role of this variant in disease. Therefore, it has been classified as a Variant of Uncertain Significance.

Ambry Genetics
Classification: Likely benign for Inborn genetic diseases. Last evaluated: 2021-10-06. Review status: criteria provided, single submitter. Criteria: Ambry Variant Classification Scheme 2023. Collection method: clinical testing. Allele origin: germline.

NM_019066.5(MAGEL2):c.2821C>T (p.Arg941Cys)

Gene: MAGEL2 (MAGE family member L2; minus strand). Cytogenetic location: 15q11.2.
Variant type: single nucleotide variant.
Coding change: c.2821C>T on transcript NM_019066.5 (MANE Select); coding-DNA position 2821, C replaced by T.
Protein change: p.Arg941Cys; replaces arginine 941 with cysteine.
Molecular consequence: missense variant.
Genome position (GRCh38, 1-based): chr15:23,644,922, G>A on the plus strand (C>T on the coding strand, the complement: MAGEL2 is on the minus strand). VCF-style: chr15-23644922-G-A. GRCh37 (hg19) VCF-style: chr15-23890069-G-A.
Other names: c.2821C>T (NM_019066.4); short protein forms R941C.
Identifiers: ClinVar variation 2175813 (VCV002175813.7), dbSNP rs548982518, ClinGen allele CA7429811.